The following is an entry in ClinVar:

NM_201384.3(PLEC):c.2495G>A (p.Gly832Asp)

Gene: PLEC (plectin; minus strand). Cytogenetic location: 8q24.3.
Variant type: single nucleotide variant.
Coding change: c.2495G>A on transcript NM_201384.3 (MANE Select); coding-DNA position 2495, G replaced by A.
Protein change: p.Gly832Asp; replaces glycine 832 with aspartic acid.
Molecular consequence: missense variant.
Genome position (GRCh38, 1-based): chr8:143,930,261, C>T on the plus strand (G>A on the coding strand, the complement: PLEC is on the minus strand). VCF-style: chr8-143930261-C-T. GRCh37 (hg19) VCF-style: chr8-145004429-C-T.
Other names: c.2495G>A, p.Gly832Asp (NM_201382.4); c.2507G>A, p.Gly836Asp (NM_201383.3); c.2576G>A, p.Gly859Asp (NM_000445.5, NM_001410941.1); c.2453G>A, p.Gly818Asp (NM_201378.4); c.2429G>A, p.Gly810Asp (NM_201379.3); c.2906G>A, p.Gly969Asp (NM_201380.4); c.2399G>A, p.Gly800Asp (NM_201381.3); short protein forms G800D, G832D, G969D, G810D, G836D, G818D, G859D.
Identifiers: ClinVar variation 3214693 (VCV003214693.3), dbSNP rs782683418, ClinGen allele CA4927495.
Genomic context (GRCh38, chr8:143,930,261, plus strand): 5'-GGCACGGCGGCCTCGCTGCCGGAGCTGCTGAGCACCTTCCAGTGGGACGGCTGTGCAGGG[C>T]CCACCAGCTGGCACTCGTCACCCTTGTGCACAGTCACCTGGGACGGGCAGAGTCGGTGAG-3'
Protein context (NP_958786.1, residues 822-842): VHKGDECQLV[Gly832Asp]PAQPSHWKVL

ClinVar aggregate classification (germline): Uncertain significance. Review status: criteria provided, multiple submitters, no conflicts (2 of 4 stars). 2 submissions from 2 submitters: Uncertain significance (2). Last evaluated 2024-05-31.

Conditions:
Epidermolysis bullosa simplex 5C, with pyloric atresia (EBS5C). Also called: PLEC1-Related Epidermolysis Bullosa with Pyloric Atresia; PLEC-Related Epidermolysis Bullosa with Pyloric Atresia; Epidermolysis bullosa simplex with pyloric atresia. Identifiers: Orphanet 158684, MedGen C2677349, MONDO:0012807, OMIM 612138.
Epidermolysis bullosa simplex 5B, with muscular dystrophy (EBS5B). Also called: EPIDERMOLYSIS BULLOSA SIMPLEX AND LIMB-GIRDLE MUSCULAR DYSTROPHY; Epidermolysis bullosa simplex with muscular dystrophy. Identifiers: Orphanet 257, MedGen C2931072, MONDO:0009181, OMIM 226670.
Epidermolysis bullosa simplex, Ogna type (EBS5A). Also called: Pidermolysis bullosa simplex 5A, Ogna type; EPIDERMOLYSIS BULLOSA SIMPLEX 5A, OGNA TYPE. Identifiers: Orphanet 79401, MedGen C0432317, MONDO:0007555, OMIM 131950.
Autosomal recessive limb-girdle muscular dystrophy type 2Q (LGMDR17). Also called: MUSCULAR DYSTROPHY, LIMB-GIRDLE, AUTOSOMAL RECESSIVE 17. Identifiers: Orphanet 254361, MedGen C3150989, MONDO:0013390, OMIM 613723.
Epidermolysis bullosa simplex with nail dystrophy (EBS5D). Identifiers: MedGen C4225309, MONDO:0014661, OMIM 616487.
Inborn genetic diseases. Identifiers: MedGen C0950123, MeSH D030342.

Allele frequency attached by ClinVar (database versions not stated): gnomAD exomes below 0.00001; TOPMed 0.00001; ExAC 0.00008.
gnomAD v4.1: 5 of 1,600,908 alleles (0.00031%); highest among the groups gnomAD compares: East Asian, 0.009%; no homozygotes.

Submissions (2):

Labcorp Genetics (formerly Invitae), Labcorp
Classification: Uncertain significance for Autosomal recessive limb-girdle muscular dystrophy type 2Q; Epidermolysis bullosa simplex, Ogna type; Epidermolysis bullosa simplex with nail dystrophy; Epidermolysis bullosa simplex 5C, with pyloric atresia; Epidermolysis bullosa simplex 5B, with muscular dystrophy. Last evaluated: 2024-05-31. Review status: criteria provided, single submitter. Criteria: Invitae Variant Classification Sherloc (09022015). Collection method: clinical testing. Allele origin: germline.
Comment: This sequence change replaces glycine, which is neutral and non-polar, with aspartic acid, which is acidic and polar, at codon 859 of the PLEC protein (p.Gly859Asp). This variant is present in population databases (rs782683418, gnomAD 0.06%). This variant has not been reported in the literature in individuals affected with PLEC-related conditions. Experimental studies and prediction algorithms are not available or were not evaluated, and the functional significance of this variant is currently unknown. In summary, the available evidence is currently insufficient to determine the role of this variant in disease. Therefore, it has been classified as a Variant of Uncertain Significance.

Ambry Genetics
Classification: Uncertain significance for Inborn genetic diseases. Last evaluated: 2022-03-16. Review status: criteria provided, single submitter. Criteria: Ambry Variant Classification Scheme 2023. Collection method: clinical testing. Allele origin: germline.